The following is an entry in ClinVar:

NM_153006.3(NAGS):c.1165G>A (p.Gly389Ser)

Gene: NAGS (N-acetylglutamate synthase; plus strand). Cytogenetic location: 17q21.31.
Variant type: single nucleotide variant.
Coding change: c.1165G>A on transcript NM_153006.3 (MANE Select); coding-DNA position 1165, G replaced by A.
Protein change: p.Gly389Ser; replaces glycine 389 with serine.
Molecular consequence: missense variant.
Genome position (GRCh38, 1-based): chr17:44,007,391, G>A. VCF-style: chr17-44007391-G-A. GRCh37 (hg19) VCF-style: chr17-42084759-G-A.
Other names: short protein forms G389S.
Identifiers: ClinVar variation 1059084 (VCV001059084.9), dbSNP rs2049107623, ClinGen allele CA399726881.

ClinVar aggregate classification (germline): Uncertain significance (1 of 4 stars; one submission).

Conditions:
Hyperammonemia, type III (NAGSD). Also called: Hyperammonemia due to N-acetylglutamate synthase deficiency. Identifiers: Orphanet 927, MedGen C0268543, MONDO:0009377, OMIM 237310.

Allele frequency attached by ClinVar (database versions not stated): gnomAD exomes below 0.00001.

Submission:

Labcorp Genetics (formerly Invitae), Labcorp
Classification: Uncertain significance for Hyperammonemia, type III. Last evaluated: 2022-05-04. Review status: criteria provided, single submitter. Criteria: Invitae Variant Classification Sherloc (09022015). Collection method: clinical testing. Allele origin: germline.
Comment: This variant is not present in population databases (gnomAD no frequency). This variant has not been reported in the literature in individuals affected with NAGS-related conditions. ClinVar contains an entry for this variant (Variation ID: 1059084). Algorithms developed to predict the effect of missense changes on protein structure and function (SIFT, PolyPhen-2, Align-GVGD) all suggest that this variant is likely to be tolerated. In summary, the available evidence is currently insufficient to determine the role of this variant in disease. Therefore, it has been classified as a Variant of Uncertain Significance. This sequence change replaces glycine, which is neutral and non-polar, with serine, which is neutral and polar, at codon 389 of the NAGS protein (p.Gly389Ser).